The following is an entry in ClinVar:

ClinVar aggregate classification (germline): Uncertain significance (1 of 4 stars; one submission).

gnomAD v4.1: 16 of 1,318,686 alleles (0.0012%); highest among the groups gnomAD compares: Non-Finnish European, 0.0016%; no homozygotes.

Submission:

GeneDx
Classification: Uncertain significance. Last evaluated: 2024-04-25. Review status: criteria provided, single submitter. Criteria: GeneDx Variant Classification Process June 2021. Collection method: clinical testing. Allele origin: germline. Affected: yes.
Comment: Not observed at significant frequency in large population cohorts (gnomAD); In silico analysis indicates that this missense variant does not alter protein structure/function; Has not been previously published as pathogenic or benign to our knowledge

NM_001379200.1(TBX1):c.1133T>C (p.Leu378Pro)

Gene: TBX1 (T-box transcription factor 1; plus strand). Cytogenetic location: 22q11.21.
Variant type: single nucleotide variant.
Coding change: c.1133T>C on transcript NM_001379200.1 (MANE Select); coding-DNA position 1133, T replaced by C.
Protein change: p.Leu378Pro; replaces leucine 378 with proline.
Molecular consequence: missense variant. On other transcripts: intron variant (2).
Genome position (GRCh38, 1-based): chr22:19,766,485, T>C. VCF-style: chr22-19766485-T-C. GRCh37 (hg19) VCF-style: chr22-19754008-T-C.
Other names: c.1106T>C, p.Leu369Pro (NM_080647.1); c.1009+483T>C (NM_005992.1, NM_080646.2); short protein forms L369P, L378P.
Identifiers: ClinVar variation 3372992 (VCV003372992.1).